The following is an entry in ClinVar:

NM_004970.3(IGFALS):c.1475A>G (p.Asn492Ser)

Gene: IGFALS (insulin like growth factor binding protein acid labile subunit; minus strand). Cytogenetic location: 16p13.3.
Variant type: single nucleotide variant.
Coding change: c.1475A>G on transcript NM_004970.3 (MANE Select); coding-DNA position 1475, A replaced by G.
Protein change: p.Asn492Ser; replaces asparagine 492 with serine.
Molecular consequence: missense variant. On other transcripts: non-coding transcript variant (1).
Genome position (GRCh38, 1-based): chr16:1,790,943, T>C on the plus strand (A>G on the coding strand, the complement: IGFALS is on the minus strand). VCF-style: chr16-1790943-T-C. GRCh37 (hg19) VCF-style: chr16-1840944-T-C.
Other names: c.1589A>G, p.Asn530Ser (NM_001146006.2); short protein forms N492S, N530S.
Identifiers: ClinVar variation 2632862 (VCV002632862.1), dbSNP rs769032694, ClinGen allele CA7820293.

ClinVar aggregate classification (germline): Uncertain significance (1 of 4 stars; one submission).

Conditions:
IGFALS-related disorder. Also called: IGFALS-related condition.

Allele frequency attached by ClinVar (database versions not stated): gnomAD 0.00001; TOPMed 0.00001; ExAC 0.00002; gnomAD exomes 0.00003.
gnomAD v4.1: 44 of 1,594,762 alleles (0.0028%); highest among the groups gnomAD compares: Non-Finnish European, 0.0034%; no homozygotes.

Submission:

PreventionGenetics, part of Exact Sciences
Classification: Uncertain significance for IGFALS-related condition. Last evaluated: 2023-05-16. Review status: criteria provided, single submitter. Criteria: ACMG Guidelines, 2015. Collection method: clinical testing. Allele origin: germline.
Comment: The IGFALS c.1475A>G variant is predicted to result in the amino acid substitution p.Asn492Ser. To our knowledge, this variant has not been reported in the literature. This variant is reported in 0.00099% of alleles in individuals of European (Non-Finnish) descent in gnomAD. At this time, the clinical significance of this variant is uncertain due to the absence of conclusive functional and genetic evidence.